The following is an entry in ClinVar:

ClinVar aggregate classification (germline): Uncertain significance (1 of 4 stars; one submission).

gnomAD v4.1: 11 of 1,606,674 alleles (0.00068%); highest among the groups gnomAD compares: South Asian, 0.0044%; no homozygotes.

Submission:

Athena Diagnostics
Classification: Uncertain significance. Last evaluated: 2024-04-17. Review status: criteria provided, single submitter. Criteria: Athena Diagnostics Criteria. Collection method: clinical testing. Allele origin: unknown.
Comment: Available data are insufficient to determine the clinical significance of the variant at this time. The frequency of this variant in the general population is higher than would generally be expected for pathogenic variants in this gene. Computational tools disagree on the variant's effect on normal protein function.

NM_198994.3(TGM6):c.1619G>A (p.Arg540His)

Gene: TGM6 (transglutaminase 6; plus strand). Cytogenetic location: 20p13.
Variant type: single nucleotide variant.
Coding change: c.1619G>A on transcript NM_198994.3 (MANE Select); coding-DNA position 1619, G replaced by A.
Protein change: p.Arg540His; replaces arginine 540 with histidine.
Molecular consequence: missense variant.
Genome position (GRCh38, 1-based): chr20:2,417,514, G>A. VCF-style: chr20-2417514-G-A. GRCh37 (hg19) VCF-style: chr20-2398160-G-A.
Other names: c.1619G>A, p.Arg540His (NM_001254734.2); short protein forms R540H.
Identifiers: ClinVar variation 3571578 (VCV003571578.1).
Genomic context (GRCh38, chr20:2,417,514, plus strand): 5'-TCACCTCCCGGGCCCAGCGGGTGAGGGTCAACCTGAGCGGTGCCACCATCCTCTATACCC[G>A]CAAGCCAGTGGCAGAGATCCTGCATGAATCCCACGCCGTGAGGCTGGGGCCGCAAGAAGG-3'
Protein context (NP_945345.2, residues 530-550): NLSGATILYT[Arg540His]KPVAEILHES